The following is an entry in ClinVar:

NM_001044.5(SLC6A3):c.1603G>A (p.Val535Met)

Gene: SLC6A3 (solute carrier family 6 member 3). Cytogenetic location: 5p15.33.
Variant type: single nucleotide variant.
Coding change: c.1603G>A on transcript NM_001044.5 (MANE Select); coding-DNA position 1603, G replaced by A.
Protein change: p.Val535Met; replaces valine 535 with methionine.
Molecular consequence: missense variant.
Genome position (GRCh38, 1-based): chr5:1,403,086, C>T on the plus strand (G>A on the coding strand, the complement: SLC6A3 is on the minus strand). VCF-style: chr5-1403086-C-T. GRCh37 (hg19) VCF-style: chr5-1403201-C-T.
Other names: short protein forms V535M.
Identifiers: ClinVar variation 851586 (VCV000851586.11), dbSNP rs553219765, ClinGen allele CA3185962.

ClinVar aggregate classification (germline): Uncertain significance. Review status: criteria provided, multiple submitters, no conflicts (2 of 4 stars). 2 submissions from 2 submitters: Uncertain significance (2). Last evaluated 2022-11-08.

Conditions:
Tobacco addiction, susceptibility to. Also called: CIGARETTE HABITUATION, SUSCEPTIBILITY TO. Identifiers: MedGen C1861063, MONDO:0100460, OMIM 188890.
Classic dopamine transporter deficiency syndrome (PKDYS1). Also called: DOPAMINE TRANSPORTER DEFICIENCY SYNDROME; Parkinsonism-dystonia, infantile, 1. Identifiers: Orphanet 238455, MedGen C5700336, MONDO:0054835, OMIM 613135.
Parkinsonism-dystonia, infantile. Identifiers: Orphanet 238455, MedGen C2751067, MONDO:0013150.

Allele frequency attached by ClinVar (database versions not stated): gnomAD 0.00001 and 0.00003; TOPMed 0.00001; ExAC 0.00004; 1000 Genomes Project 30x 0.00016; 1000 Genomes Project 0.00020.
gnomAD v4.1: 50 of 1,613,490 alleles (0.0031%); highest among the groups gnomAD compares: South Asian, 0.0088%; no homozygotes.

Submissions (2):

Labcorp Genetics (formerly Invitae), Labcorp
Classification: Uncertain significance for Parkinsonism-dystonia, infantile. Last evaluated: 2022-11-08. Review status: criteria provided, single submitter. Criteria: Invitae Variant Classification Sherloc (09022015). Collection method: clinical testing. Allele origin: germline.
Comment: In summary, the available evidence is currently insufficient to determine the role of this variant in disease. Therefore, it has been classified as a Variant of Uncertain Significance. Advanced modeling of protein sequence and biophysical properties (such as structural, functional, and spatial information, amino acid conservation, physicochemical variation, residue mobility, and thermodynamic stability) performed at Invitae indicates that this missense variant is not expected to disrupt SLC6A3 protein function. ClinVar contains an entry for this variant (Variation ID: 851586). This variant has not been reported in the literature in individuals affected with SLC6A3-related conditions. This variant is present in population databases (rs553219765, gnomAD 0.01%). This sequence change replaces valine, which is neutral and non-polar, with methionine, which is neutral and non-polar, at codon 535 of the SLC6A3 protein (p.Val535Met).

Fulgent Genetics
Classification: Uncertain significance for Tobacco addiction, susceptibility to; Classic dopamine transporter deficiency syndrome. Last evaluated: 2021-08-24. Review status: criteria provided, single submitter. Criteria: ACMG Guidelines, 2015. Collection method: clinical testing. Allele origin: unknown.